The following is an entry in ClinVar:

ClinVar aggregate classification (germline): Conflicting classifications of pathogenicity. Review status: criteria provided, conflicting classifications (1 of 4 stars). 3 submissions from 3 submitters: Uncertain significance (1); Benign (1). 1 of the submissions does not count toward it. Last evaluated 2025-12-09.

Conditions:
Inborn genetic diseases. Identifiers: MedGen C0950123, MeSH D030342.

Allele frequency attached by ClinVar (database versions not stated): 1000 Genomes Project 0.00160; 1000 Genomes Project 30x 0.00187.
gnomAD v4.1: 782 of 1,614,132 alleles (0.048%); highest among the groups gnomAD compares: South Asian, 0.78%; 13 homozygotes.

Submissions (3):

Labcorp Genetics (formerly Invitae), Labcorp
Classification: Benign. Last evaluated: 2025-12-09. Review status: criteria provided, single submitter. Criteria: Invitae Variant Classification Sherloc (09022015). Collection method: clinical testing. Allele origin: germline.

Ambry Genetics
Classification: Uncertain significance for Inborn genetic diseases. Last evaluated: 2024-05-20. Review status: criteria provided, single submitter. Criteria: Ambry Variant Classification Scheme 2023. Collection method: clinical testing. Allele origin: germline.

Department of Pathology and Laboratory Medicine, Sinai Health System
Classification: Benign. Review status: no assertion criteria provided. Collection method: clinical testing. Allele origin: unknown. Affected: yes. Study: The Canadian Open Genetics Repository (COGR). Not counted in ClinVar's aggregate classification.
Comment: The DSG1 p.Pro829Ser variant was not identified in the literature nor was it identified in ClinVar or LOVD 3.0. The variant was identified in dbSNP (ID: rs556017565) and in control databases in 260 of 282728 chromosomes (2 homozygous) at a frequency of 9.2E-4 increasing the likelihood this could be a low frequency benign variant (Genome Aggregation Database March 6, 2019, v2.1.1). The variant was observed in the following populations: South Asian in 251 of 30616 chromosomes (freq: 0.008198), Other in 3 of 7224 chromosomes (freq: 0.000415), Latino in 2 of 35438 chromosomes (freq: 0.000056), European (Finnish) in 1 of 25124 chromosomes (freq: 0.00004) and European (non-Finnish) in 3 of 129048 chromosomes (freq: 0.000023), but was not observed in the African, Ashkenazi Jewish, or East Asian populations. The p.Pro829 residue is conserved across mammals and other organisms, and computational analyses (PolyPhen-2, SIFT, AlignGVGD, BLOSUM, MutationTaster) suggest that the variant may impact the protein; however, this information is not predictive enough to assume pathogenicity. The variant occurs outside of the splicing consensus sequence and in silico or computational prediction software programs (SpliceSiteFinder, MaxEntScan, NNSPLICE, GeneSplicer) do not predict a difference in splicing. In summary, based on the above information this variant meets our laboratory's criteria to be classified as benign.

NM_001942.4(DSG1):c.2485C>T (p.Pro829Ser)

Genes: DSG1 (desmoglein 1; plus strand), DSG1-AS1 (DSG1 antisense RNA 1; minus strand), LOC126862720 (MED14-independent group 3 enhancer GRCh37_chr18:28933613-28934812; plus strand). Cytogenetic location: 18q12.1.
Variant type: single nucleotide variant.
Coding change: c.2485C>T on transcript NM_001942.4 (MANE Select); coding-DNA position 2485, C replaced by T.
Protein change: p.Pro829Ser; replaces proline 829 with serine.
Molecular consequence: missense variant.
Genome position (GRCh38, 1-based): chr18:31,354,681, C>T. VCF-style: chr18-31354681-C-T. GRCh37 (hg19) VCF-style: chr18-28934644-C-T.
Other names: c.2485C>T (NM_001942.2); short protein forms P829S.
Identifiers: ClinVar variation 1050737 (VCV001050737.11), dbSNP rs556017565, ClinGen allele CA8926373.
Genomic context (GRCh38, chr18:31,354,681, plus strand): 5'-ATTTCTGAGAGCACCTATCCCTCGGGACCTGGTGTACTGCATCCTAAGCCTATTCTCGAT[C>T]CTCTGGGCTATGGTAATGTCACTGTGACCGAGTCTTACACCACCTCTGACACTCTGAAGC-3'
Protein context (NP_001933.2, residues 819-839): GVLHPKPILD[Pro829Ser]LGYGNVTVTE